The following is an entry in ClinVar:

ClinVar aggregate classification (germline): Uncertain significance. Review status: criteria provided, multiple submitters, no conflicts (2 of 4 stars). 6 submissions from 6 submitters: Uncertain significance (6). Last evaluated 2025-10-18.

Conditions:
Aortic aneurysm, familial thoracic 4 (AAT4). Also called: AORTIC ANEURYSM/AORTIC DISSECTION AND PATENT DUCTUS ARTERIOSUS. Identifiers: MedGen C1851504, MONDO:0007568, OMIM 132900.
Familial thoracic aortic aneurysm and aortic dissection (TAAD). Also called: Thoracic aortic aneurysms and dissections. Identifiers: Orphanet 91387, MedGen C4707243, MONDO:0019625.

Allele frequency attached by ClinVar (database versions not stated): gnomAD exomes below 0.00001 and 0.00002; ExAC 0.00001.
gnomAD v4.1: 24 of 1,614,174 alleles (0.0015%); highest among the groups gnomAD compares: South Asian, 0.0022%; no homozygotes.

Submissions (6):

Labcorp Genetics (formerly Invitae), Labcorp
Classification: Uncertain significance for Aortic aneurysm, familial thoracic 4. Last evaluated: 2025-10-18. Review status: criteria provided, single submitter. Criteria: Invitae Variant Classification Sherloc (09022015). Collection method: clinical testing. Allele origin: germline.
Comment: This sequence change replaces aspartic acid, which is acidic and polar, with asparagine, which is neutral and polar, at codon 1108 of the MYH11 protein (p.Asp1108Asn). This variant is present in population databases (rs764532365, gnomAD 0.003%). This variant has not been reported in the literature in individuals affected with MYH11-related conditions. ClinVar contains an entry for this variant (Variation ID: 923521). Invitae Evidence Modeling of protein sequence and biophysical properties (such as structural, functional, and spatial information, amino acid conservation, physicochemical variation, residue mobility, and thermodynamic stability) indicates that this missense variant is not expected to disrupt MYH11 protein function with a negative predictive value of 95%. In summary, the available evidence is currently insufficient to determine the role of this variant in disease. Therefore, it has been classified as a Variant of Uncertain Significance.

Color Diagnostics, LLC DBA Color Health
Classification: Uncertain significance for Familial thoracic aortic aneurysm and aortic dissection. Last evaluated: 2025-08-27. Review status: criteria provided, single submitter. Criteria: ACMG Guidelines, 2015. Collection method: clinical testing. Allele origin: germline.
Comment: This missense variant replaces aspartic acid with asparagine at codon 1108 of the MYH11 protein. Computational prediction suggests that this variant may not impact protein structure and function. To our knowledge, functional studies have not been reported for this variant. This variant has not been reported in individuals affected with MYH11-related disorders in the literature. This variant has been identified in 2/282772 chromosomes in the general population by the Genome Aggregation Database (gnomAD). The available evidence is insufficient to determine the role of this variant in disease conclusively. Therefore, this variant is classified as a Variant of Uncertain Significance.

Blueprint Genetics
Classification: Uncertain significance. Last evaluated: 2024-09-17. Review status: criteria provided, single submitter. Criteria: ACMG Guidelines, 2015. Collection method: clinical testing. Allele origin: germline.

All of Us Research Program, National Institutes of Health
Classification: Uncertain significance for Familial thoracic aortic aneurysm and aortic dissection. Last evaluated: 2024-08-06. Review status: criteria provided, single submitter. Criteria: ACMG Guidelines, 2015. Collection method: clinical testing. Allele origin: germline. Inheritance: Autosomal dominant inheritance. Observed: 3 variant alleles, 3 heterozygotes.
Comment: This missense variant replaces aspartic acid with asparagine at codon 1108 of the MYH11 protein. Computational prediction suggests that this variant may not impact protein structure and function (internally defined REVEL score threshold <= 0.5, PMID: 27666373). To our knowledge, functional studies have not been reported for this variant. This variant has not been reported in individuals affected with cardiovascular disorders in the literature. This variant has been identified in 2/282772 chromosomes in the general population by the Genome Aggregation Database (gnomAD). The available evidence is insufficient to determine the role of this variant in disease conclusively. Therefore, this variant is classified as a Variant of Uncertain Significance.

This study involves interpretation of variants in research participants for the purpose of population health screening. Participant phenotype was not available at the time of variant classification. Additional details can be found in publication PMID: 35346344, PMCID: PMC8962531

Ambry Genetics
Classification: Uncertain significance for Familial thoracic aortic aneurysm and aortic dissection. Last evaluated: 2023-12-26. Review status: criteria provided, single submitter. Criteria: Ambry Variant Classification Scheme 2023. Collection method: clinical testing. Allele origin: germline.
Comment: The p.D1101N variant (also known as c.3301G>A), located in coding exon 25 of the MYH11 gene, results from a G to A substitution at nucleotide position 3301. The aspartic acid at codon 1101 is replaced by asparagine, an amino acid with highly similar properties. This amino acid position is conserved. In addition, this alteration is predicted to be tolerated by in silico analysis. Since supporting evidence is limited at this time, the clinical significance of this alteration remains unclear.

CHEO Genetics Diagnostic Laboratory, Children's Hospital of Eastern Ontario
Classification: Uncertain significance for Familial thoracic aortic aneurysm and aortic dissection. Last evaluated: 2022-02-25. Review status: criteria provided, single submitter. Criteria: ACMG Guidelines, 2015. Collection method: clinical testing. Allele origin: germline.

NM_002474.3(MYH11):c.3301G>A (p.Asp1101Asn)

Gene: MYH11 (myosin heavy chain 11; minus strand). Cytogenetic location: 16p13.11.
Variant type: single nucleotide variant.
Coding change: c.3301G>A on transcript NM_002474.3 (MANE Select); coding-DNA position 3301, G replaced by A.
Protein change: p.Asp1101Asn; replaces aspartic acid 1101 with asparagine.
Molecular consequence: missense variant.
Genome position (GRCh38, 1-based): chr16:15,735,571, C>T on the plus strand (G>A on the coding strand, the complement: MYH11 is on the minus strand). VCF-style: chr16-15735571-C-T. GRCh37 (hg19) VCF-style: chr16-15829428-C-T.
Other names: c.3322G>A, p.Asp1108Asn (NM_001040113.2, NM_001040114.2); c.3301G>A, p.Asp1101Asn (NM_022844.3); c.3301G>A (NM_002474.2); short protein forms D1108N, D1101N.
Identifiers: ClinVar variation 923521 (VCV000923521.20), dbSNP rs764532365, ClinGen allele CA7922020.